The following is an entry in ClinVar:

ClinVar aggregate classification (germline): Uncertain significance (1 of 4 stars; one submission).

gnomAD v4.1: 2 of 1,574,864 alleles (0.00013%); highest among the groups gnomAD compares: Non-Finnish European, 0.00017%; no homozygotes.

Submission:

Labcorp Genetics (formerly Invitae), Labcorp
Classification: Uncertain significance. Last evaluated: 2025-06-02. Review status: criteria provided, single submitter. Criteria: Invitae Variant Classification Sherloc (09022015). Collection method: clinical testing. Allele origin: germline.
Comment: This sequence change falls in intron 7 of the POLD2 gene. It does not directly change the encoded amino acid sequence of the POLD2 protein. This variant is present in population databases (no rsID available, gnomAD 0.004%). This variant has not been reported in the literature in individuals affected with POLD2-related conditions. ClinVar contains an entry for this variant (Variation ID: 2108352). Algorithms developed to predict the effect of sequence changes on RNA splicing suggest that this variant may disrupt the consensus splice site. In summary, the available evidence is currently insufficient to determine the role of this variant in disease. Therefore, it has been classified as a Variant of Uncertain Significance.

NM_006230.4(POLD2):c.861+14G>C

Gene: POLD2 (DNA polymerase delta 2, accessory subunit; minus strand). Cytogenetic location: 7p13.
Variant type: single nucleotide variant.
Coding change: c.861+14G>C on transcript NM_006230.4 (MANE Select); 14 bases into the intron after coding-DNA position 861, G replaced by C.
Molecular consequence: intron variant.
Genome position (GRCh38, 1-based): chr7:44,116,416, C>G on the plus strand (G>C on the coding strand, the complement: POLD2 is on the minus strand). VCF-style: chr7-44116416-C-G. GRCh37 (hg19) VCF-style: chr7-44156015-C-G.
Other names: c.861+14G>C (NM_001127218.3, NM_001256879.2).
Identifiers: ClinVar variation 2108352 (VCV002108352.4), dbSNP rs1186525499, ClinGen allele CA573789656.